The following is an entry in ClinVar:

NM_152703.5(SAMD9L):c.3578A>T (p.Asn1193Ile)

Gene: SAMD9L (sterile alpha motif domain containing 9 like; minus strand). Cytogenetic location: 7q21.2.
Variant type: single nucleotide variant.
Coding change: c.3578A>T on transcript NM_152703.5 (MANE Select); coding-DNA position 3578, A replaced by T.
Protein change: p.Asn1193Ile; replaces asparagine 1193 with isoleucine.
Molecular consequence: missense variant.
Genome position (GRCh38, 1-based): chr7:93,132,394, T>A on the plus strand (A>T on the coding strand, the complement: SAMD9L is on the minus strand). VCF-style: chr7-93132394-T-A. GRCh37 (hg19) VCF-style: chr7-92761707-T-A.
Other names: c.3578A>T, p.Asn1193Ile (NM_001303496.3, NM_001303497.3, NM_001303498.3 and 5 more transcripts); short protein forms N1193I.
Identifiers: ClinVar variation 3657850 (VCV003657850.2).

ClinVar aggregate classification (germline): Uncertain significance (1 of 4 stars; one submission).

Submission:

Labcorp Genetics (formerly Invitae), Labcorp
Classification: Uncertain significance. Last evaluated: 2024-06-25. Review status: criteria provided, single submitter. Criteria: Invitae Variant Classification Sherloc (09022015). Collection method: clinical testing. Allele origin: germline.
Comment: This sequence change replaces asparagine, which is neutral and polar, with isoleucine, which is neutral and non-polar, at codon 1193 of the SAMD9L protein (p.Asn1193Ile). This variant is not present in population databases (gnomAD no frequency). This variant has not been reported in the literature in individuals affected with SAMD9L-related conditions. Advanced modeling of protein sequence and biophysical properties (such as structural, functional, and spatial information, amino acid conservation, physicochemical variation, residue mobility, and thermodynamic stability) performed at Invitae indicates that this missense variant is expected to disrupt SAMD9L protein function with a positive predictive value of 80%. In summary, the available evidence is currently insufficient to determine the role of this variant in disease. Therefore, it has been classified as a Variant of Uncertain Significance.